The following is an entry in ClinVar:

NM_004525.3(LRP2):c.8526T>C (p.Cys2842=)

Gene: LRP2 (LDL receptor related protein 2; minus strand). Cytogenetic location: 2q31.1.
Variant type: single nucleotide variant.
Coding change: c.8526T>C on transcript NM_004525.3 (MANE Select); coding-DNA position 8526, T replaced by C.
Protein change: p.Cys2842=; no amino-acid change (cysteine 2842 retained).
Molecular consequence: synonymous variant.
Genome position (GRCh38, 1-based): chr2:169,198,838, A>G on the plus strand (T>C on the coding strand, the complement: LRP2 is on the minus strand). VCF-style: chr2-169198838-A-G. GRCh37 (hg19) VCF-style: chr2-170055348-A-G.
Identifiers: ClinVar variation 3052610 (VCV003052610.2), dbSNP rs1688090762, ClinGen allele CA429933125.

ClinVar aggregate classification (germline): Likely benign (0 of 4 stars; one submission).

Conditions:
LRP2-related disorder. Also called: LRP2-related condition.

Allele frequency attached by ClinVar (database versions not stated): TOPMed below 0.00001; gnomAD exomes 0.00001.
gnomAD v4.1: 7 of 1,614,068 alleles (0.00043%); highest among the groups gnomAD compares: Non-Finnish European, 0.00059%; no homozygotes.

Submission:

PreventionGenetics, part of Exact Sciences
Classification: Likely benign for LRP2-related condition. Last evaluated: 2022-10-26. Review status: no assertion criteria provided. Collection method: clinical testing. Allele origin: germline.
Comment: This variant is classified as likely benign based on ACMG/AMP sequence variant interpretation guidelines (Richards et al. 2015 PMID: 25741868, with internal and published modifications).